The following is an entry in ClinVar:

ClinVar aggregate classification (germline): Conflicting classifications of pathogenicity. Review status: criteria provided, conflicting classifications (1 of 4 stars). 3 submissions from 3 submitters: Uncertain significance (2); Likely benign (1). Last evaluated 2024-10-04.

Conditions:
Inborn genetic diseases. Identifiers: MedGen C0950123, MeSH D030342.

Allele frequency attached by ClinVar (database versions not stated): gnomAD 0.00002; TOPMed 0.00003.
gnomAD v4.1: 7 of 1,117,300 alleles (0.00063%); highest among the groups gnomAD compares: East Asian, 0.018%; no homozygotes.

Submissions (3):

Labcorp Genetics (formerly Invitae), Labcorp
Classification: Uncertain significance. Last evaluated: 2024-10-04. Review status: criteria provided, single submitter. Criteria: Invitae Variant Classification Sherloc (09022015). Collection method: clinical testing. Allele origin: germline.
Comment: This sequence change replaces alanine, which is neutral and non-polar, with valine, which is neutral and non-polar, at codon 460 of the ARID1B protein (p.Ala460Val). The frequency data for this variant in the population databases is considered unreliable, as metrics indicate poor data quality at this position in the gnomAD database. This variant has not been reported in the literature in individuals affected with ARID1B-related conditions. ClinVar contains an entry for this variant (Variation ID: 210268). Invitae Evidence Modeling of protein sequence and biophysical properties (such as structural, functional, and spatial information, amino acid conservation, physicochemical variation, residue mobility, and thermodynamic stability) indicates that this missense variant is not expected to disrupt ARID1B protein function with a negative predictive value of 95%. In summary, the available evidence is currently insufficient to determine the role of this variant in disease. Therefore, it has been classified as a Variant of Uncertain Significance.

Ambry Genetics
Classification: Likely benign for Inborn genetic diseases. Last evaluated: 2023-05-31. Review status: criteria provided, single submitter. Criteria: Ambry Variant Classification Scheme 2023. Collection method: clinical testing. Allele origin: germline.

Genetic Services Laboratory, University of Chicago
Classification: Uncertain significance. Last evaluated: 2014-12-16. Review status: criteria provided, single submitter. Criteria: ACMG Guidelines, 2015. Collection method: clinical testing. Allele origin: germline.

NM_001374828.1(ARID1B):c.1628C>T (p.Ala543Val)

Gene: ARID1B (AT-rich interaction domain 1B; plus strand). Cytogenetic location: 6q25.3.
Variant type: single nucleotide variant.
Coding change: c.1628C>T on transcript NM_001374828.1 (MANE Select); coding-DNA position 1628, C replaced by T.
Protein change: p.Ala543Val; replaces alanine 543 with valine.
Molecular consequence: missense variant.
Genome position (GRCh38, 1-based): chr6:156,779,308, C>T. VCF-style: chr6-156779308-C-T. GRCh37 (hg19) VCF-style: chr6-157100442-C-T.
Other names: c.1628C>T, p.Ala543Val (NM_001371656.1, NM_001374820.1, NM_017519.3); c.1379C>T, p.Ala460Val (NM_020732.3); short protein forms A460V, A543V.
Identifiers: ClinVar variation 210268 (VCV000210268.10), dbSNP rs797045270, ClinGen allele CA207092.